The following is an entry in ClinVar:

ClinVar aggregate classification (germline): Uncertain significance (1 of 4 stars; one submission).

Conditions:
Charcot-Marie-Tooth disease type 4. Also called: Charcot-Marie-Tooth, Type 4; Charcot-Marie-Tooth disease, type IV. Identifiers: Orphanet 64749, MedGen C4082197, MONDO:0018995.

Submission:

Labcorp Genetics (formerly Invitae), Labcorp
Classification: Uncertain significance for Charcot-Marie-Tooth disease type 4. Last evaluated: 2020-10-20. Review status: criteria provided, single submitter. Criteria: Invitae Variant Classification Sherloc (09022015). Collection method: clinical testing. Allele origin: germline.
Comment: This sequence change replaces glutamine with arginine at codon 204 of the SBF2 protein (p.Gln204Arg). The glutamine residue is moderately conserved and there is a small physicochemical difference between glutamine and arginine. This variant is not present in population databases (ExAC no frequency). This variant has not been reported in the literature in individuals with SBF2-related conditions. Algorithms developed to predict the effect of missense changes on protein structure and function (SIFT, PolyPhen-2, Align-GVGD) all suggest that this variant is likely to be tolerated, but these predictions have not been confirmed by published functional studies and their clinical significance is uncertain. In summary, the available evidence is currently insufficient to determine the role of this variant in disease. Therefore, it has been classified as a Variant of Uncertain Significance.

NM_030962.4(SBF2):c.611A>G (p.Gln204Arg)

Gene: SBF2 (SET binding factor 2; minus strand). Cytogenetic location: 11p15.4.
Variant type: single nucleotide variant.
Coding change: c.611A>G on transcript NM_030962.4 (MANE Select); coding-DNA position 611, A replaced by G.
Protein change: p.Gln204Arg; replaces glutamine 204 with arginine.
Molecular consequence: missense variant.
Genome position (GRCh38, 1-based): chr11:10,028,460, T>C on the plus strand (A>G on the coding strand, the complement: SBF2 is on the minus strand). VCF-style: chr11-10028460-T-C. GRCh37 (hg19) VCF-style: chr11-10050007-T-C.
Other names: c.611A>G, p.Gln204Arg (NM_001386339.1, NM_001386342.1); short protein forms Q204R.
Identifiers: ClinVar variation 1059097 (VCV001059097.9), dbSNP rs2134626742, ClinGen allele CA379645828.